The following is an entry in ClinVar:

ClinVar aggregate classification (germline): Uncertain significance (1 of 4 stars; one submission).

Submission:

Labcorp Genetics (formerly Invitae), Labcorp
Classification: Uncertain significance. Last evaluated: 2022-03-20. Review status: criteria provided, single submitter. Criteria: Invitae Variant Classification Sherloc (09022015). Collection method: clinical testing. Allele origin: germline.
Comment: This variant has not been reported in the literature in individuals affected with HPS5-related conditions. In summary, the available evidence is currently insufficient to determine the role of this variant in disease. Therefore, it has been classified as a Variant of Uncertain Significance. Algorithms developed to predict the effect of missense changes on protein structure and function are either unavailable or do not agree on the potential impact of this missense change (SIFT: "Deleterious"; PolyPhen-2: "Possibly Damaging"; Align-GVGD: "Class C0"). This variant is not present in population databases (gnomAD no frequency). This sequence change replaces glutamic acid, which is acidic and polar, with alanine, which is neutral and non-polar, at codon 555 of the HPS5 protein (p.Glu555Ala).

NM_181507.2(HPS5):c.1664A>C (p.Glu555Ala)

Gene: HPS5 (HPS5 biogenesis of lysosomal organelles complex 2 subunit 2; minus strand). Cytogenetic location: 11p15.1.
Variant type: single nucleotide variant.
Coding change: c.1664A>C on transcript NM_181507.2 (MANE Select); coding-DNA position 1664, A replaced by C.
Protein change: p.Glu555Ala; replaces glutamic acid 555 with alanine.
Molecular consequence: missense variant.
Genome position (GRCh38, 1-based): chr11:18,295,140, T>G on the plus strand (A>C on the coding strand, the complement: HPS5 is on the minus strand). VCF-style: chr11-18295140-T-G. GRCh37 (hg19) VCF-style: chr11-18316687-T-G.
Other names: c.1322A>C, p.Glu441Ala (NM_007216.4, NM_181508.2); short protein forms E441A, E555A.
Identifiers: ClinVar variation 2115369 (VCV002115369.4), dbSNP rs1860907383, ClinGen allele CA379493380.